The following is an entry in ClinVar:

ClinVar aggregate classification (germline): Pathogenic (1 of 4 stars; one submission).

Conditions:
Mucopolysaccharidosis, MPS-II (MPS2). Also called: Hunter Syndrome; IDURONATE 2-SULFATASE DEFICIENCY; Mucopolysaccharidosis Type II; Mucopolysaccharidosis type 2; Attenuated MPS (subtype; formerly known as mild MPS II); Severe MPS II. Identifiers: Orphanet 580, Orphanet 79388, MedGen C0026705, MONDO:0010674, OMIM 309900.

Submission:

Laboratory of Diagnosis and Therapy of Lysosomal Disorders, University of Padova
Classification: Pathogenic for Mucopolysaccharidosis, MPS-II. Last evaluated: 2024-06-07. Review status: criteria provided, single submitter. Criteria: ACMG Guidelines, 2015. Collection method: literature only. Allele origin: germline. Affected: yes. Observed: 2 variant alleles.
Comment: Null variant (PVS1_Strong), Prevalence of the variant significantly increased in affected individuals compared with controls (PS4_Strong), Absent from controls (or at low frequency) in gnomAD database (PM2_Moderate), Patient’s phenotype or family history highly specific for the disease (PP4_Strong)

Classification method: ACMG Guidelines [PMID:25741868] with modifications

Literature cited by the submitters: PubMed 10447264; PubMed 9875019.

NM_000202.8(IDS):c.1141del (p.Leu381fs)

Genes: IDS (iduronate 2-sulfatase; minus strand), LOC106050102 (IDS recombination region; plus strand). Cytogenetic location: Xq28.
Variant type: Deletion.
Coding change: c.1141del on transcript NM_000202.8 (MANE Select); coding-DNA position 1141, one base deleted (C; older notation c.1141delC).
Protein change: p.Leu381fs; shifts the reading frame from leucine 381.
Molecular consequence: frameshift variant.
Genome position (GRCh38, 1-based): chrX:149,486,964, G deleted on the plus strand (C on the coding strand, the reverse complement: IDS is on the minus strand); the first of 2 consecutive G bases (chrX:149,486,964-149,486,965); deleting either gives the same sequence. VCF-style (leftmost placement, unchanged base first): chrX-149486963-AG-A. GRCh37 (hg19) VCF-style: chrX-148568494-AG-A.
Other names: c.871del, p.Leu291fs (NM_001166550.4); short protein forms L291fs, L381fs.
Identifiers: ClinVar variation 3255972 (VCV003255972.2).
Genomic context (GRCh38, chrX:149,486,963, plus strand): 5'-ATCATTTCAGCATATTTTATACCTGGCTCCATCAACTGTGAGGCGGAATCAAAAGGGTCG[AG>A]GTAAGGGAAAAGCTTCTCGCCTGCCTCCGGAAGTGAAGCCGTCCTTCCAGGAACATAGAA-3'